The following is an entry in ClinVar:

ClinVar aggregate classification (germline): Conflicting classifications of pathogenicity. Review status: criteria provided, conflicting classifications (1 of 4 stars). 3 submissions from 3 submitters: Uncertain significance (2); Likely benign (1). Last evaluated 2024-09-06.

Conditions:
Hereditary breast ovarian cancer syndrome. Also called: Hereditary breast and ovarian cancer; Hereditary breast and/or ovarian cancer syndrome; BRCA1- and BRCA2-Associated Hereditary Breast and Ovarian Cancer; Hereditary breast and ovarian cancer syndrome; Hereditary breast and ovarian cancer syndrome (HBOC); Breast and ovarian cancer. Identifiers: Orphanet 145, MedGen C0677776, MeSH D061325, MONDO:0003582. Disease mechanism: loss of function.
Hereditary cancer-predisposing syndrome. Also called: Tumor predisposition; Hereditary Cancer Syndrome; Hereditary neoplastic syndrome; Neoplastic Syndromes, Hereditary. Identifiers: Orphanet 140162, MedGen C0027672, MeSH D009386, MONDO:0015356.

Allele frequency attached by ClinVar (database versions not stated): gnomAD exomes below 0.00001.

Submissions (3):

Ambry Genetics
Classification: Uncertain significance for Hereditary cancer-predisposing syndrome. Last evaluated: 2024-09-06. Review status: criteria provided, single submitter. Criteria: Ambry Variant Classification Scheme 2023. Collection method: clinical testing. Allele origin: germline.
Comment: The p.S590N variant (also known as c.1769G>A), located in coding exon 9 of the BRCA1 gene, results from a G to A substitution at nucleotide position 1769. The serine at codon 590 is replaced by asparagine, an amino acid with highly similar properties. This amino acid position is well conserved in available vertebrate species. In addition, the in silico prediction for this alteration is inconclusive. Based on the available evidence, the clinical significance of this variant remains unclear.

Labcorp Genetics (formerly Invitae), Labcorp
Classification: Uncertain significance for Hereditary breast ovarian cancer syndrome. Last evaluated: 2024-02-25. Review status: criteria provided, single submitter. Criteria: Invitae Variant Classification Sherloc (09022015). Collection method: clinical testing. Allele origin: germline.
Comment: This sequence change replaces serine, which is neutral and polar, with asparagine, which is neutral and polar, at codon 590 of the BRCA1 protein (p.Ser590Asn). This variant is not present in population databases (gnomAD no frequency). This variant has not been reported in the literature in individuals affected with BRCA1-related conditions. ClinVar contains an entry for this variant (Variation ID: 409345). Advanced modeling of protein sequence and biophysical properties (such as structural, functional, and spatial information, amino acid conservation, physicochemical variation, residue mobility, and thermodynamic stability) performed at Invitae indicates that this missense variant is not expected to disrupt BRCA1 protein function with a negative predictive value of 95%. In summary, the available evidence is currently insufficient to determine the role of this variant in disease. Therefore, it has been classified as a Variant of Uncertain Significance.

University of Washington Department of Laboratory Medicine, University of Washington
Classification: Likely benign for Hereditary cancer-predisposing syndrome. Last evaluated: 2023-03-23. Review status: criteria provided, single submitter. Criteria: Dines et al. (Genet Med. 2020). Collection method: curation. Allele origin: germline.
Comment: Missense variant in a coldspot region where missense variants are very unlikely to be pathogenic (PMID:31911673).

BRCA1 coldspot (exon 11 using historical exon numbering). Reclassification based on statistical prior probability

NM_007294.4(BRCA1):c.1769G>A (p.Ser590Asn)

Gene: BRCA1 (BRCA1 DNA repair associated; minus strand). Cytogenetic location: 17q21.31.
Variant type: single nucleotide variant.
Coding change: c.1769G>A on transcript NM_007294.4 (MANE Select); coding-DNA position 1769, G replaced by A.
Protein change: p.Ser590Asn; replaces serine 590 with asparagine.
Molecular consequence: missense variant. On other transcripts: intron variant (137).
Genome position (GRCh38, 1-based): chr17:43,093,762, C>T on the plus strand (G>A on the coding strand, the complement: BRCA1 is on the minus strand). VCF-style: chr17-43093762-C-T. GRCh37 (hg19) VCF-style: chr17-41245779-C-T.
Other names: c.574+982G>A (NM_001408493.1, NM_001408490.1, NM_001408491.1); c.661+982G>A (NM_001408432.1, NM_001408445.1, NM_001408446.1 and 6 more transcripts); c.667+2084G>A (NM_001408431.1, NM_001408424.1, NM_001408421.1); c.784+982G>A (NM_001408407.1, NM_001408402.1, NM_001408473.1 and 13 more transcripts); c.664+982G>A (NM_001408443.1, NM_001408439.1, NM_001408436.1 and 12 more transcripts); c.454+982G>A (NM_001408502.1); c.577+982G>A (NM_001408489.1, NM_001408479.1, NM_001408481.1 and 9 more transcripts); c.1559G>A, p.Ser520Asn (NM_001407886.1, NM_001407882.1, NM_001407885.1 and 13 more transcripts); and 40 more; short protein forms S590N, S543N, S422N, S463N, S478N, S523N, S548N, S549N.
Identifiers: ClinVar variation 409345 (VCV000409345.22), dbSNP rs1060502349, ClinGen allele CA10598488.